The following is an entry in ClinVar:

NM_001042492.3(NF1):c.3443C>A (p.Ala1148Glu)

Gene: NF1 (neurofibromin 1; plus strand). Cytogenetic location: 17q11.2.
Variant type: single nucleotide variant.
Coding change: c.3443C>A on transcript NM_001042492.3 (MANE Select); coding-DNA position 3443, C replaced by A.
Protein change: p.Ala1148Glu; replaces alanine 1148 with glutamic acid.
Molecular consequence: missense variant.
Genome position (GRCh38, 1-based): chr17:31,232,828, C>A. VCF-style: chr17-31232828-C-A. GRCh37 (hg19) VCF-style: chr17-29559846-C-A.
Other names: c.3443C>A, p.Ala1148Glu (NM_000267.4); short protein forms A1148E.
Identifiers: ClinVar variation 1397071 (VCV001397071.10), dbSNP rs2151434733, ClinGen allele CA398989293.
Genomic context (GRCh38, chr17:31,232,828, plus strand): 5'-GTGGCAGGAAACGTGGCATGTCTCGGAGGCTGGCATCACTGAGGCACTGTACGGTCCTTG[C>A]AATGTCAAACTTACTCAATGCCAACGTAGACAGTGGTCTCATGCACTCCATAGGTGAGAT-3'
Protein context (NP_001035957.1, residues 1138-1158): LASLRHCTVL[Ala1148Glu]MSNLLNANVD

ClinVar aggregate classification (germline): Conflicting classifications of pathogenicity. Review status: criteria provided, conflicting classifications (1 of 4 stars). 2 submissions from 2 submitters: Pathogenic (1); Uncertain significance (1). Last evaluated 2026-08-27.
ClinVar aggregate classification (somatic clinical impact): Tier I - Strong (1 of 4 stars; one submission).

Conditions:
Hereditary cancer-predisposing syndrome. Also called: Hereditary Cancer Syndrome; Neoplastic Syndromes, Hereditary; Hereditary neoplastic syndrome; Tumor predisposition. Identifiers: Orphanet 140162, MedGen C0027672, MeSH D009386, MONDO:0015356.
Cardiovascular phenotype. Identifiers: MedGen CN230736.
Neurofibromatosis, type 1 (NF1). Also called: Peripheral type neurofibromatosis; VON RECKLINGHAUSEN DISEASE; NEUROFIBROMATOSIS, TYPE I, SOMATIC; Neurofibromatosis, type I. Identifiers: Orphanet 636, MedGen C0027831, MONDO:0018975, OMIM 162200. Disease mechanism: loss of function.
Embryonal rhabdomyosarcoma (ERMS). Also called: Botryoid rhabdomyosarcoma (type of ERMS); Spindle cell rhabdomyosarcomas (type of ERMS). Identifiers: Orphanet 99757, MedGen C0206656, MONDO:0009993, HP:0006743.

Submissions (3):

Ambry Genetics
Classification: Uncertain significance for Cardiovascular phenotype; Hereditary cancer-predisposing syndrome. Last evaluated: 2026-08-27. Review status: criteria provided, single submitter. Criteria: Ambry Variant Classification Scheme 2023. Collection method: clinical testing. Allele origin: germline.
Comment: The p.A1148E variant (also known as c.3443C>A), located in coding exon 26 of the NF1 gene, results from a C to A substitution at nucleotide position 3443. The alanine at codon 1148 is replaced by glutamic acid, an amino acid with dissimilar properties. This variant was reported in individual(s) with features consistent with neurofibromatosis type 1 (Van-Gils J et al. Eur J Med Genet, 2014 Sep;57:639-42). This amino acid position is highly conserved in available vertebrate species. In addition, the in silico prediction for this alteration is inconclusive. Based on the available evidence, the clinical significance of this variant remains unclear.

Labcorp Genetics (formerly Invitae), Labcorp
Classification: Pathogenic for Neurofibromatosis, type 1. Last evaluated: 2025-12-10. Review status: criteria provided, single submitter. Criteria: Invitae Variant Classification Sherloc (09022015). Collection method: clinical testing. Allele origin: germline.
Comment: This sequence change replaces alanine, which is neutral and non-polar, with glutamic acid, which is acidic and polar, at codon 1148 of the NF1 protein (p.Ala1148Glu). This variant is not present in population databases (gnomAD no frequency). This missense change has been observed in individual(s) with neurofibromatosis type 1 (PMID: 25234363). It has also been observed to segregate with disease in related individuals. ClinVar contains an entry for this variant (Variation ID: 1397071). Invitae Evidence Modeling of protein sequence and biophysical properties (such as structural, functional, and spatial information, amino acid conservation, physicochemical variation, residue mobility, and thermodynamic stability) indicates that this missense variant is expected to disrupt NF1 protein function with a positive predictive value of 95%. For these reasons, this variant has been classified as Pathogenic.

Institute for Genomic Medicine (IGM) Clinical Laboratory, Nationwide Children's Hospital
Classification: Tier I - Strong for Embryonal rhabdomyosarcoma. Assertion type: diagnostic. Clinical significance: supports diagnosis. Last evaluated: 2024-04-29. Review status: criteria provided, single submitter. Criteria: AMP/ASCO/CAP Guidelines, 2017. Collection method: clinical testing. Allele origin: somatic. Affected: yes.
Comment: Variant has Tier I (strong) clinical significance as a diagnostic inclusion criterion in embryonal rhabdomyosarcoma, based on the following evidence: 1) Appears in one or more well-established professional guidelines (e.g., World Health Organization [WHO]; National Comprehensive Cancer Network [NCCN]) as providing diagnostic, prognostic, or therapeutic information. 2) Diagnostic for a specific tumor type/classification based on well-powered studies with expert-level consensus (Evidence Level B; PMIDs: 34166060, 24436047, 26138366, 21412928).

Literature cited by the submitters: PubMed 25234363 (cited by Ambry Genetics and Labcorp Genetics (formerly Invitae), Labcorp); PubMed 34166060 (cited by Institute for Genomic Medicine (IGM) Clinical Laboratory, Nationwide Children's Hospital); PubMed 24436047 (cited by Institute for Genomic Medicine (IGM) Clinical Laboratory, Nationwide Children's Hospital); PubMed 26138366 (cited by Institute for Genomic Medicine (IGM) Clinical Laboratory, Nationwide Children's Hospital); PubMed 21412928 (cited by Institute for Genomic Medicine (IGM) Clinical Laboratory, Nationwide Children's Hospital).